The following is an entry in ClinVar:

NM_019066.5(MAGEL2):c.1051G>A (p.Val351Ile)

Gene: MAGEL2 (MAGE family member L2; minus strand). Cytogenetic location: 15q11.2.
Variant type: single nucleotide variant.
Coding change: c.1051G>A on transcript NM_019066.5 (MANE Select); coding-DNA position 1051, G replaced by A.
Protein change: p.Val351Ile; replaces valine 351 with isoleucine.
Molecular consequence: missense variant.
Genome position (GRCh38, 1-based): chr15:23,646,692, C>T on the plus strand (G>A on the coding strand, the complement: MAGEL2 is on the minus strand). VCF-style: chr15-23646692-C-T. GRCh37 (hg19) VCF-style: chr15-23891839-C-T.
Other names: short protein forms V351I.
Identifiers: ClinVar variation 2431936 (VCV002431936.1), dbSNP rs2503982223, ClinGen allele CA391335277.

ClinVar aggregate classification (germline): Uncertain significance (1 of 4 stars; one submission).

Conditions:
Schaaf-Yang syndrome (SHFYNG). Also called: Arthrogryposis, distal, with hypopituitarism, intellectual disability, and facial anomalies; MAGEL2-related Prader-Willi-like syndrome. Identifiers: Orphanet 398069, MedGen C5575066, MONDO:0014243, OMIM 615547.

Submission:

Laboratorio de Genetica e Diagnostico Molecular, Hospital Israelita Albert Einstein
Classification: Uncertain significance for Schaaf-Yang syndrome. Last evaluated: 2023-02-11. Review status: criteria provided, single submitter. Criteria: ACMG Guidelines, 2015. Collection method: clinical testing. Allele origin: germline. Affected: yes. Observed: 1 variant allele.
Comment: ACMG classification criteria: PM2 moderated